The following is an entry in ClinVar:

NM_000441.2(SLC26A4):c.692T>A (p.Val231Glu)

Gene: SLC26A4 (solute carrier family 26 member 4; plus strand). Cytogenetic location: 7q22.3.
Variant type: single nucleotide variant.
Coding change: c.692T>A on transcript NM_000441.2 (MANE Select); coding-DNA position 692, T replaced by A.
Protein change: p.Val231Glu; replaces valine 231 with glutamic acid.
Molecular consequence: missense variant.
Genome position (GRCh38, 1-based): chr7:107,675,036, T>A. VCF-style: chr7-107675036-T-A. GRCh37 (hg19) VCF-style: chr7-107315481-T-A.
Other names: short protein forms V231E.
Identifiers: ClinVar variation 4853134 (VCV004853134.1).
Genomic context (GRCh38, chr7:107,675,036, plus strand): 5'-TAGTGAGGTACTTGGCAGATCCTTTGGTTGGTGGCTTCACAACAGCTGCTGCCTTCCAAG[T>A]GCTGGTCTCACAGCTAAAGATTGTCCTCAATGTTTCAACCAAAAACTACAATGGAGTTCT-3'
Protein context (NP_000432.1, residues 221-241): GGFTTAAAFQ[Val231Glu]LVSQLKIVLN

ClinVar aggregate classification (germline): Likely pathogenic (1 of 4 stars; one submission).

Conditions:
Pendred syndrome (PDS). Also called: DEAFNESS WITH GOITER; GOITER-DEAFNESS SYNDROME; HYPOTHYROIDISM, CONGENITAL, DUE TO DYSHORMONOGENESIS, 2B; THYROID DYSHORMONOGENESIS 2B; THYROID HORMONOGENESIS, GENETIC DEFECT IN, 2B; Pendred's syndrome. Identifiers: Orphanet 705, MedGen C0271829, MONDO:0010134, OMIM 274600.

Submission:

Women's Health and Genetics/Laboratory Corporation of America, LabCorp
Classification: Likely pathogenic for Pendred syndrome. Last evaluated: 2026-05-13. Review status: criteria provided, single submitter. Criteria: LabCorp Variant Classification Summary - May 2015. Collection method: clinical testing. Allele origin: germline.
Comment: Variant summary: SLC26A4 c.692T>A (p.Val231Glu) results in a non-conservative amino acid change in the encoded protein sequence. Algorithms developed to predict the effect of missense changes on protein structure and function all suggest that this variant is likely to be disruptive. The variant was absent in 251480 control chromosomes. c.692T>A has been observed in two unrelated individuals with variants in trans, affected with hearing loss with or without EVA findings (Zhao_2014, Guan_2021). These data indicate that the variant may be associated with disease. To our knowledge, no experimental evidence demonstrating an impact on protein function has been reported. Multiple variants located at the same codon (c..691G>C, p.Val231Leu; c.691G>A, p.Val231Met) have been classified as Likely Pathogenic, supporting a critical relevance of this residue to SLC26A4 protein function. The following publications have been ascertained in the context of this evaluation (PMID: 34416374, 25372295). No submitters have cited clinical significance assessments for this variant in ClinVar. Based on the evidence outlined above, the variant was classified as likely pathogenic.

Literature cited by the submitters: PubMed 25372295; PubMed 34416374.